The following continues an entry in ClinVar:

NM_015665.6(AAAS):c.43C>A (p.Gln15Lys)

Gene: AAAS. ClinVar aggregate classification (germline): Pathogenic. Pathogenic (18).

Submissions 13 to 22 of 22:

Women's Health and Genetics/Laboratory Corporation of America, LabCorp
Classification: Pathogenic for Glucocorticoid deficiency with achalasia. Last evaluated: 2022-05-23. Review status: criteria provided, single submitter. Criteria: LabCorp Variant Classification Summary - May 2015. Collection method: clinical testing. Allele origin: germline.
Comment: Variant summary: AAAS c.43C>A (p.Gln15Lys) results in a conservative amino acid change in the encoded protein sequence. Four of five in-silico tools predict a benign effect of the variant on protein function. Several computational tools predict a significant impact on normal splicing: Four predict the variant strengthens a cryptic exonic 5' splice donor site located at nucleotide 41. At least one publication reports experimental evidence that this variant affects mRNA splicing due to the activation of the cryptic exonic splice donor site resulting in a frame shifted protein referred to as p.G14Vfs*45 (Krumbholz_2006). The variant allele was found at a frequency of 0.00018 in 251366 control chromosomes. This frequency is not significantly higher than estimated for a pathogenic variant in AAAS causing Glucocorticoid Deficiency With Achalasia (0.00018 vs 0.0011), allowing no conclusion about variant significance. c.43C>A has been reported in the literature as homozygous and compound heterozygous genotypes in multiple individuals affected with features of Glucocorticoid Deficiency With Achalasia (also referred to as AAA syndrome) (example, Handschug_2001, Houlden_2002, Dumic_2012, Krumbholz_2006). These data indicate that the variant is very likely to be associated with disease. Six clinical diagnostic laboratories have submitted clinical-significance assessments for this variant to ClinVar after 2014 (Pathogenic, n=5; VUS, n=1). Based on the evidence outlined above, the variant was classified as pathogenic.

GeneDx
Classification: Pathogenic. Last evaluated: 2022-04-05. Review status: criteria provided, single submitter. Criteria: GeneDx Variant Classification Process June 2021. Collection method: clinical testing. Allele origin: germline. Affected: yes.
Comment: Published functional studies demonstrate activation of a cryptic splice donor site that results in a frameshift at codon Glycine 14, changes this to a Valine residue, and creates a premature Stop codon at position 45 of the new reading frame (Krumbholz et al., 2006); also reported as p.Gly14ValfsX45; Variant predicted to result in protein truncation or nonsense mediated decay in a gene for which loss-of-function is a known mechanism of disease; This variant is associated with the following publications: (PMID: 11159947, 28655339, 15666842, 12730363, 22538409, 12429595, 18615337, 15217518, 11701718, 26622478, 18628786, 32185032, 31589614, 34426522, 32146693, 23073554, 16609705)

Institute of Medical Genetics and Applied Genomics, University Hospital Tübingen
Classification: Pathogenic. Last evaluated: 2020-10-23. Review status: criteria provided, single submitter. Criteria: ACMG Guidelines, 2015. Collection method: clinical testing. Allele origin: germline. Inheritance: Autosomal recessive inheritance. Affected: yes.

Foundation for Research in Genetics and Endocrinology, FRIGE's Institute of Human Genetics
Classification: Pathogenic for Glucocorticoid deficiency with achalasia. Last evaluated: 2019-03-15. Review status: criteria provided, single submitter. Criteria: ACMG Guidelines, 2015. Collection method: clinical testing. Allele origin: germline. Inheritance: Autosomal recessive inheritance. Affected: yes. Observed: 1 homozygote.
Comment: The observed variant NM_015665.6:c.43C>A/p.Gln15Lys is a missense variation found in exon 1 of the AAAS gene. It is a known pathogenic variant (dbsnp: rs121918549) and has been reported in the ExAC and gnomAD database with an allele frequency of 0.0002317 and 0.0191, respectively. The in silico prediction of this variant is disease causing by MutationTaster2. In summary, this variant meets the ACMG criteria to be classified as pathogenic based upon the evidence stated above.

Illumina Laboratory Services, Illumina
Classification: Pathogenic for Glucocorticoid deficiency with achalasia. Last evaluated: 2018-08-14. Review status: criteria provided, single submitter. Criteria: ICSL Variant Classification Criteria 09 May 2019. Collection method: clinical testing. Allele origin: germline.
Comment: Across a selection of available literature, the AAAS c.43C>A (p.Gln15Lys) missense variant (also referred to as p.Gly14ValfsTer45) has been reported in a homozygous state in at least six individuals with achalasia-Addisonianism-alacrima syndrome (which is also referred to as triple A syndrome), and in a compound heterozygous state in at least three other affected families (Handschug et al. 2001; Sandrini et al. 2001; Houlden et al. 2002; Huebner et al. 2004; Strauss et al. 2008; Dumic et al, 2012). In at least two families who were compound heterozygous for this variant, parents were shown to be heterozygous carriers of the p.Gln15Lys variant. This variant was absent from at least 50 controls but is reported at a frequency of 0.000606 in the South Asian population from the Exome Aggregation Consortium. In fibroblasts from a patient heterozygous for the p.Gln15Lys variant, Krumbholz et al. (2006) observed two splice products after amplification from a forward primer in exon 1 and reverse primer in exon 2. They conclude that the c.43C>A variant creates a novel splice donor site resulting in a frameshift and premature truncation of the protein (referred to as p.Gly14ValfsTer45). Based on the collective evidence, the p.Gln15Lys variant is classified as pathogenic for achalasia-Addisonianism-alacrima syndrome. This variant was observed by ICSL as part of a predisposition screen in an ostensibly healthy population.

Kariminejad - Najmabadi Pathology & Genetics Center
Classification: Pathogenic for Glucocorticoid deficiency with achalasia. Review status: criteria provided, single submitter. Criteria: ACMG Guidelines, 2015. Collection method: clinical testing. Allele origin: germline. Affected: no.

PreventionGenetics, part of Exact Sciences
Classification: Pathogenic for AAAS-related condition. Last evaluated: 2024-09-10. Review status: no assertion criteria provided. Collection method: clinical testing. Allele origin: germline. Not counted in ClinVar's aggregate classification.
Comment: The AAAS c.43C>A variant is predicted to result in the amino acid substitution p.Gln15Lys. This variant has been reported in the homozygous or compound heterozygous state in individuals with Triple-A syndrome (see, for example, Sandrini et al. 2001. PubMed ID: 11701718; reported as Q15K in Handschug et al. 2001. PubMed ID: 11159947; Table S1, Ganapathy et al. 2019. PubMed ID: 31069529; Jayant et al. 2021. PubMed ID: 32700293; Houlden et al. 2002. PubMed ID: 12429595; Papageorgiou et al 2013. PubMed ID: 23073554). This variant is reported in 0.056% of alleles in individuals of South Asian descent in gnomAD. This variant is interpreted as pathogenic.

OMIM
Classification: Pathogenic for ACHALASIA-ADDISONIANISM-ALACRIMA SYNDROME. Last evaluated: 2001-11-01. Review status: no assertion criteria provided. Collection method: literature only. Allele origin: germline. Not counted in ClinVar's aggregate classification.

Dr. Peter K. Rogan Lab, Western University
No classification provided (evidence only). Condition: Malignant tumor of esophagus. Review status: no classification provided. Collection method: in vitro. Allele origin: not applicable. Functional consequence: cryptic splice site. Not counted in ClinVar's aggregate classification.

Biochemical Molecular Genetic Laboratory, King Abdulaziz Medical City
Classification: Uncertain significance for Glucocorticoid deficiency with achalasia. Last evaluated: 2019-09-26. Review status: flagged submission. Collection method: clinical testing. Allele origin: germline. Affected: yes. Not counted in ClinVar's aggregate classification.
ClinVar note: Reason: Outlier claim with insufficient supporting evidence

Literature cited by the submitters: PubMed 11159947 (cited by 7 submitters); PubMed 22538409 (cited by 5 submitters); PubMed 32146693 (cited by 3 submitters); PubMed 16609705 (cited by 7 submitters); PubMed 12429595 (cited by 5 submitters); PubMed 11701718 (cited by 4 submitters); PubMed 15666842 (cited by 3 submitters); PubMed 21656342 (cited by Ambry Genetics); PubMed 28655339 (cited by Ambry Genetics); PubMed 31069529 (cited by Ambry Genetics); PubMed 31939195 (cited by Ambry Genetics); PubMed 32185032 (cited by Ambry Genetics); PubMed 32700293 (cited by Ambry Genetics and Mayo Clinic Laboratories, Mayo Clinic); PubMed 34867779 (cited by Ambry Genetics); PubMed 23073554 (cited by Dasa); PubMed 18615337 (cited by Mayo Clinic Laboratories, Mayo Clinic and Illumina Laboratory Services, Illumina).